The following is an entry in ClinVar:

ClinVar aggregate classification (germline): Pathogenic/Likely pathogenic. Review status: criteria provided, multiple submitters, no conflicts (2 of 4 stars). 4 submissions from 4 submitters: Pathogenic (1); Likely pathogenic (2). 1 of the submissions does not count toward it. Last evaluated 2025-05-05.

Conditions:
Leukoencephalopathy with vanishing white matter 3 (VWM3). Also called: Leukoencephalopathy with vanishing white matter 3, with or without ovarian failure; EIF2B3-Related Childhood Ataxia with Central Nervous System Hypomyelination/Vanishing White Matter. Identifiers: MedGen C5830405, MONDO:0957871, OMIM 620313.

Allele frequency attached by ClinVar (database versions not stated): gnomAD exomes 0.00001 and 0.00002; TOPMed 0.00001; ExAC 0.00002; gnomAD 0.00002.
gnomAD v4.1: 14 of 1,613,928 alleles (0.00087%); highest among the groups gnomAD compares: African/African-American, 0.004%; no homozygotes.

Submissions (4):

Labcorp Genetics (formerly Invitae), Labcorp
Classification: Pathogenic. Last evaluated: 2025-05-05. Review status: criteria provided, single submitter. Criteria: Invitae Variant Classification Sherloc (09022015). Collection method: clinical testing. Allele origin: germline.
Comment: This sequence change replaces arginine, which is basic and polar, with glutamine, which is neutral and polar, at codon 225 of the EIF2B3 protein (p.Arg225Gln). This variant is present in population databases (rs113994024, gnomAD 0.006%). This missense change has been observed in individuals with leukoencephalopathy with vanishing white matter (PMID: 11835386, 15776425, 19158808, 25761052). ClinVar contains an entry for this variant (Variation ID: 4437). Invitae Evidence Modeling of protein sequence and biophysical properties (such as structural, functional, and spatial information, amino acid conservation, physicochemical variation, residue mobility, and thermodynamic stability) indicates that this missense variant is not expected to disrupt EIF2B3 protein function with a negative predictive value of 80%. Experimental studies have shown that this missense change affects EIF2B3 function (PMID: 33517449). For these reasons, this variant has been classified as Pathogenic.

Kasturba Medical College, Manipal, Kasturba Medical College, Manipal, Manipal Academy of Higher Education, Manipal, India
Classification: Likely pathogenic for Leukoencephalopathy with vanishing white matter 3. Last evaluated: 2023-11-30. Review status: criteria provided, single submitter. Criteria: ACMG Guidelines, 2015. Collection method: clinical testing. Allele origin: inherited. Inheritance: Autosomal recessive inheritance. Affected: yes.

Revvity Omics, Revvity
Classification: Likely pathogenic for Leukoencephalopathy with vanishing white matter 3. Last evaluated: 2023-11-14. Review status: criteria provided, single submitter. Criteria: ACMG Guidelines, 2015. Collection method: clinical testing. Allele origin: germline.

OMIM
Classification: Pathogenic for LEUKOENCEPHALOPATHY WITH VANISHING WHITE MATTER 3. Last evaluated: 2002-02-01. Review status: no assertion criteria provided. Collection method: literature only. Allele origin: germline. Not counted in ClinVar's aggregate classification.

Literature cited by the submitters: PubMed 11835386 (cited by 3 submitters); PubMed 15776425 (cited by Labcorp Genetics (formerly Invitae), Labcorp and Kasturba Medical College, Manipal, Kasturba Medical College, Manipal, Manipal Academy of Higher Education, Manipal, India); PubMed 19158808 (cited by Labcorp Genetics (formerly Invitae), Labcorp and Kasturba Medical College, Manipal, Kasturba Medical College, Manipal, Manipal Academy of Higher Education, Manipal, India); PubMed 25761052 (cited by Labcorp Genetics (formerly Invitae), Labcorp and Kasturba Medical College, Manipal, Kasturba Medical College, Manipal, Manipal Academy of Higher Education, Manipal, India); PubMed 33517449 (cited by Labcorp Genetics (formerly Invitae), Labcorp).

NM_020365.5(EIF2B3):c.674G>A (p.Arg225Gln)

Gene: EIF2B3 (eukaryotic translation initiation factor 2B subunit gamma; minus strand). Cytogenetic location: 1p34.1.
Variant type: single nucleotide variant.
Coding change: c.674G>A on transcript NM_020365.5 (MANE Select); coding-DNA position 674, G replaced by A.
Protein change: p.Arg225Gln; replaces arginine 225 with glutamine.
Molecular consequence: missense variant.
Genome position (GRCh38, 1-based): chr1:44,881,722, C>T on the plus strand (G>A on the coding strand, the complement: EIF2B3 is on the minus strand). VCF-style: chr1-44881722-C-T. GRCh37 (hg19) VCF-style: chr1-45347394-C-T.
Other names: c.674G>A, p.Arg225Gln (NM_001166588.3, NM_001261418.2); short protein forms R225Q.
Identifiers: ClinVar variation 4437 (VCV000004437.10), dbSNP rs113994024, ClinGen allele CA340256.